The following is an entry in ClinVar:

ClinVar aggregate classification (germline): Pathogenic (1 of 4 stars; one submission).

Conditions:
Duchenne muscular dystrophy (DMD). Also called: MUSCULAR DYSTROPHY, PSEUDOHYPERTROPHIC PROGRESSIVE, DUCHENNE TYPE; Duchenne Muscular Dystrophy (DMD). Identifiers: Orphanet 98896, MedGen C0013264, MONDO:0010679, OMIM 310200.

Submission:

Labcorp Genetics (formerly Invitae), Labcorp
Classification: Pathogenic for Duchenne muscular dystrophy. Last evaluated: 2022-03-14. Review status: criteria provided, single submitter. Criteria: Invitae Variant Classification Sherloc (09022015). Collection method: clinical testing. Allele origin: germline.
Comment: For these reasons, this variant has been classified as Pathogenic. This variant has not been reported in the literature in individuals affected with DMD-related conditions. This variant is not present in population databases (gnomAD no frequency). This sequence change creates a premature translational stop signal (p.Ala2802Profs*22) in the DMD gene. It is expected to result in an absent or disrupted protein product. Loss-of-function variants in DMD are known to be pathogenic (PMID: 16770791, 25007885).

Literature cited by the submitters: PubMed 16770791; PubMed 25007885.

NM_004006.3(DMD):c.8403del (p.Ala2802fs)

Gene: DMD (dystrophin; minus strand). Cytogenetic location: Xp21.2.
Variant type: Deletion.
Coding change: c.8403del on transcript NM_004006.3 (MANE Select); coding-DNA position 8403, one base deleted (A; older notation c.8403delA).
Protein change: p.Ala2802fs; shifts the reading frame from alanine 2802.
Molecular consequence: frameshift variant.
Genome position (GRCh38, 1-based): chrX:31,496,932, T deleted on the plus strand (A on the coding strand, the reverse complement: DMD is on the minus strand); the first of 2 consecutive T bases (chrX:31,496,932-31,496,933); deleting either gives the same sequence. VCF-style (leftmost placement, unchanged base first): chrX-31496931-CT-C. GRCh37 (hg19) VCF-style: chrX-31515048-CT-C.
Other names: c.8379del, p.Ala2794fs (NM_000109.4); c.8391del, p.Ala2798fs (NM_004009.3); c.8034del, p.Ala2679fs (NM_004010.3); c.4380del, p.Ala1461fs (NM_004011.4); c.4371del, p.Ala1458fs (NM_004012.4); c.1023del, p.Ala342fs (NM_004013.3, NM_004020.4, NM_004021.3 and 2 more transcripts); c.216del, p.Ala73fs (NM_004014.3); short protein forms A1458fs, A2679fs, A2794fs, A2802fs, A342fs, A73fs, A1461fs, A2798fs.
Identifiers: ClinVar variation 2112172 (VCV002112172.4), dbSNP rs2525736683, ClinGen allele CA2580100583.
Genomic context (GRCh38, chrX:31,496,931, plus strand): 5'-GTAGCCACACCAGAAGTTCCTGCAGAGAAAGGTGCAGACGCTTCCACTGGTCAGAACTGG[CT>C]TCCAAATGGGACCTGAAAAAGAACAGCAGCGTACCATGTCAGAATATCTAGAAGTGTAAT-3'